The following is an entry in ClinVar:

ClinVar aggregate classification (germline): Conflicting classifications of pathogenicity. Review status: criteria provided, conflicting classifications (1 of 4 stars). 3 submissions from 3 submitters: Likely pathogenic (1); Uncertain significance (2). Last evaluated 2026-01-27.

Conditions:
Osteoporosis. Identifiers: MedGen C0029456, MONDO:0005298, OMIM 166710, HP:0000939.
Worth disease. Also called: ENDOSTEAL HYPEROSTOSIS, AUTOSOMAL DOMINANT; OSTEOSCLEROSIS, AUTOSOMAL DOMINANT; Autosomal dominant osteosclerosis, Worth type. Identifiers: Orphanet 2790, MedGen C0432273, MONDO:0007764, OMIM 144750.
Bone mineral density quantitative trait locus 1 (BMND1). Identifiers: MedGen C1866079, OMIM 601884.
Exudative vitreoretinopathy 1 (EVR1). Also called: CRISWICK-SCHEPENS SYNDROME; FEVR, AUTOSOMAL DOMINANT; Familial exudative vitreoretinopathy, autosomal dominant. Identifiers: Orphanet 891, Orphanet 90050, MedGen C1851402, MONDO:0007589, OMIM 133780.
Polycystic liver disease 4 with or without kidney cysts. Identifiers: MedGen C4693479, MONDO:0044327, OMIM 617875.
Exudative vitreoretinopathy 4 (EVR4). Identifiers: Orphanet 891, MedGen C1866176, MONDO:0011151, OMIM 601813.
Autosomal dominant osteopetrosis 1 (OPTA1). Also called: OSTEOPETROSIS, AUTOSOMAL DOMINANT, TYPE I. Identifiers: Orphanet 2783, MedGen C1843330, MONDO:0011877, OMIM 607634.
Osteoporosis with pseudoglioma (OPPG). Also called: osteoporosis-pseudoglioma syndrome. Identifiers: Orphanet 2788, MedGen C0432252, MONDO:0009820, OMIM 259770.
LRP5-related disorder. Also called: LRP5-related condition.

Allele frequency attached by ClinVar (database versions not stated): gnomAD 0.00001; gnomAD exomes 0.00001; TOPMed 0.00002.
gnomAD v4.1: 21 of 1,614,012 alleles (0.0013%); highest among the groups gnomAD compares: African/African-American, 0.004%; no homozygotes.

Submissions (3):

Labcorp Genetics (formerly Invitae), Labcorp
Classification: Likely pathogenic. Last evaluated: 2026-01-27. Review status: criteria provided, single submitter. Criteria: Invitae Variant Classification Sherloc (09022015). Collection method: clinical testing. Allele origin: germline.
Comment: This sequence change replaces valine, which is neutral and non-polar, with methionine, which is neutral and non-polar, at codon 1245 of the LRP5 protein (p.Val1245Met). This variant is present in population databases (no rsID available, gnomAD 0.007%). This missense change has been observed in individual(s) with autosomal dominant exudative vitreoretinopathy (PMID: 33619830). In at least one individual the variant was observed to be de novo. ClinVar contains an entry for this variant (Variation ID: 1408390). Invitae Evidence Modeling of protein sequence and biophysical properties (such as structural, functional, and spatial information, amino acid conservation, physicochemical variation, residue mobility, and thermodynamic stability) indicates that this missense variant is not expected to disrupt LRP5 protein function with a negative predictive value of 95%. In summary, the currently available evidence indicates that the variant is pathogenic, but additional data are needed to prove that conclusively. Therefore, this variant has been classified as Likely Pathogenic.

PreventionGenetics, part of Exact Sciences
Classification: Uncertain significance for LRP5-related condition. Last evaluated: 2025-01-14. Review status: criteria provided, single submitter. Criteria: ACMG Guidelines, 2015. Collection method: clinical testing. Allele origin: germline.
Comment: The LRP5 c.3733G>A variant is predicted to result in the amino acid substitution p.Val1245Met. This variant has been reported as de novo in an individual with exudative vitreoretinopathy and dental anomalies (Yamada et al. 2021. PubMed ID: 33619830) and as heterozygous in an individual with dental anomalies (Kantaputra et al. 2022. PubMed ID: 35754005). This variant is present in 0.0062% of alleles in individuals of African descent in gnomAD. At this time, the clinical significance of this variant is uncertain due to the absence of conclusive functional and genetic evidence.

Fulgent Genetics
Classification: Uncertain significance for Exudative vitreoretinopathy 1; Worth disease; Osteoporosis; Osteoporosis with pseudoglioma; Exudative vitreoretinopathy 4; Bone mineral density quantitative trait locus 1; Autosomal dominant osteopetrosis 1; Polycystic liver disease 4 with or without kidney cysts. Last evaluated: 2021-10-28. Review status: criteria provided, single submitter. Criteria: ACMG Guidelines, 2015. Collection method: clinical testing. Allele origin: unknown.

Literature cited by the submitters: PubMed 33619830 (cited by Labcorp Genetics (formerly Invitae), Labcorp).

NM_002335.4(LRP5):c.3733G>A (p.Val1245Met)

Gene: LRP5 (LDL receptor related protein 5; plus strand). Cytogenetic location: 11q13.2.
Variant type: single nucleotide variant.
Coding change: c.3733G>A on transcript NM_002335.4 (MANE Select); coding-DNA position 3733, G replaced by A.
Protein change: p.Val1245Met; replaces valine 1245 with methionine.
Molecular consequence: missense variant.
Genome position (GRCh38, 1-based): chr11:68,429,670, G>A. VCF-style: chr11-68429670-G-A. GRCh37 (hg19) VCF-style: chr11-68197138-G-A.
Other names: c.3733G>A (NM_002335.3); c.1990G>A, p.Val664Met (NM_001291902.2); short protein forms V1245M, V664M.
Identifiers: ClinVar variation 1408390 (VCV001408390.13), dbSNP rs1215728276, ClinGen allele CA381613401.
Genomic context (GRCh38, chr11:68,429,670, plus strand): 5'-TCCCACATCTGTATTGCCAAGGGTGATGGGACACCACGGTGCTCATGCCCAGTCCACCTC[G>A]TGCTCCTGCAGAACCTGCTGACCTGTGGAGGTAGGTGTGACCTAGGTGCTCCTTTGGGGT-3'
Protein context (NP_002326.2, residues 1235-1255): TPRCSCPVHL[Val1245Met]LLQNLLTCGE